The following is an entry in ClinVar:

ClinVar aggregate classification (germline): Pathogenic (1 of 4 stars; one submission).

Conditions:
Niemann-Pick disease, type C1. Also called: NEUROVISCERAL STORAGE DISEASE WITH VERTICAL SUPRANUCLEAR OPHTHALMOPLEGIA; NIEMANN-PICK DISEASE WITH CHOLESTEROL ESTERIFICATION BLOCK; NIEMANN-PICK DISEASE WITHOUT SPHINGOMYELINASE DEFICIENCY; NIEMANN-PICK DISEASE, CHRONIC NEURONOPATHIC FORM; NIEMANN-PICK DISEASE, VARIANT TYPE C1. Identifiers: Orphanet 646, MedGen C3179455, MONDO:0009757, OMIM 257220.

Submission:

Labcorp Genetics (formerly Invitae), Labcorp
Classification: Pathogenic for Niemann-Pick disease, type C1. Last evaluated: 2024-10-31. Review status: criteria provided, single submitter. Criteria: Invitae Variant Classification Sherloc (09022015). Collection method: clinical testing. Allele origin: germline.
Comment: This sequence change creates a premature translational stop signal (p.Thr206Leufs*14) in the NPC1 gene. It is expected to result in an absent or disrupted protein product. Loss-of-function variants in NPC1 are known to be pathogenic (PMID: 9211850). This variant is present in population databases (no rsID available, gnomAD 0.0009%). This premature translational stop signal has been observed in individual(s) with Niemann-Pick disease type C (PMID: 23433426). For these reasons, this variant has been classified as Pathogenic.

Literature cited by the submitters: PubMed 9211850; PubMed 23433426.

NM_000271.5(NPC1):c.616_619del (p.Thr206fs)

Gene: NPC1 (NPC intracellular cholesterol transporter 1; minus strand). Cytogenetic location: 18q11.2.
Variant type: Deletion.
Coding change: c.616_619del on transcript NM_000271.5 (MANE Select); coding-DNA positions 616 to 619, 4 bases deleted (ACTC; older notation c.616_619delACTC).
Protein change: p.Thr206fs; shifts the reading frame from threonine 206.
Molecular consequence: frameshift variant.
Genome position (GRCh38, 1-based): chr18:23,561,372-23,561,375, GAGT deleted on the plus strand (ACTC on the coding strand, the reverse complement: NPC1 is on the minus strand); deleting any 4 consecutive bases within chr18:23,561,372-23,561,377 gives the same sequence; the c. name uses the placement nearest the transcript's 3' end. VCF-style (leftmost placement, unchanged base first): chr18-23561371-GGAGT-G. GRCh37 (hg19) VCF-style: chr18-21141335-GGAGT-G.
Other names: short protein forms T206fs.
Identifiers: ClinVar variation 3723110 (VCV003723110.2).